The following is an entry in ClinVar:

NM_032608.7(MYO18B):c.7162G>C (p.Glu2388Gln)

Gene: MYO18B (myosin XVIIIB; plus strand). Cytogenetic location: 22q12.1.
Variant type: single nucleotide variant.
Coding change: c.7162G>C on transcript NM_032608.7 (MANE Select); coding-DNA position 7162, G replaced by C.
Protein change: p.Glu2388Gln; replaces glutamic acid 2388 with glutamine.
Molecular consequence: missense variant.
Genome position (GRCh38, 1-based): chr22:26,027,136, G>C. VCF-style: chr22-26027136-G-C. GRCh37 (hg19) VCF-style: chr22-26423102-G-C.
Other names: c.7165G>C, p.Glu2389Gln (NM_001318245.2); short protein forms E2388Q, E2389Q.
Identifiers: ClinVar variation 2120453 (VCV002120453.4), dbSNP rs760434697, ClinGen allele CA10161708.

ClinVar aggregate classification (germline): Uncertain significance (1 of 4 stars; one submission).

Allele frequency attached by ClinVar (database versions not stated): gnomAD exomes below 0.00001.
gnomAD v4.1: 1 of 1,613,972 alleles (0.000062%); highest among the groups gnomAD compares: South Asian, 0.0011%; no homozygotes.

Submission:

Labcorp Genetics (formerly Invitae), Labcorp
Classification: Uncertain significance. Last evaluated: 2022-05-03. Review status: criteria provided, single submitter. Criteria: Invitae Variant Classification Sherloc (09022015). Collection method: clinical testing. Allele origin: germline.
Comment: In summary, the available evidence is currently insufficient to determine the role of this variant in disease. Therefore, it has been classified as a Variant of Uncertain Significance. Algorithms developed to predict the effect of missense changes on protein structure and function are either unavailable or do not agree on the potential impact of this missense change (SIFT: "Not Available"; PolyPhen-2: "Possibly Damaging"; Align-GVGD: "Not Available"). This variant has not been reported in the literature in individuals affected with MYO18B-related conditions. This variant is present in population databases (rs760434697, gnomAD 0.003%). This sequence change replaces glutamic acid, which is acidic and polar, with glutamine, which is neutral and polar, at codon 2388 of the MYO18B protein (p.Glu2388Gln).